The following is an entry in ClinVar:

ClinVar aggregate classification (germline): Uncertain significance (1 of 4 stars; one submission).

Conditions:
Cornelia de Lange syndrome 1 (CDLS1). Also called: TYPUS DEGENERATIVUS AMSTELODAMENSIS; Brachmann de Lange syndrome; NIPBL-Related Cornelia de Lange Syndrome. Identifiers: Orphanet 199, MedGen C4551851, MONDO:0007387, OMIM 122470.

Submission:

Laboratorio de Genetica e Diagnostico Molecular, Hospital Israelita Albert Einstein
Classification: Uncertain significance for Cornelia de Lange syndrome 1. Last evaluated: 2023-06-01. Review status: criteria provided, single submitter. Criteria: ACMG Guidelines, 2015. Collection method: clinical testing. Allele origin: germline. Affected: yes.
Comment: ACMG classification criteria: PM2 moderate, PP2 supporting

NM_133433.4(NIPBL):c.6187G>A (p.Glu2063Lys)

Gene: NIPBL (NIPBL cohesin loading factor; plus strand). Cytogenetic location: 5p13.2.
Variant type: single nucleotide variant.
Coding change: c.6187G>A on transcript NM_133433.4 (MANE Select); coding-DNA position 6187, G replaced by A.
Protein change: p.Glu2063Lys; replaces glutamic acid 2063 with lysine.
Molecular consequence: missense variant.
Genome position (GRCh38, 1-based): chr5:37,044,425, G>A. VCF-style: chr5-37044425-G-A. GRCh37 (hg19) VCF-style: chr5-37044527-G-A.
Other names: c.6187G>A, p.Glu2063Lys (NM_015384.5); short protein forms E2063K.
Identifiers: ClinVar variation 4056667 (VCV004056667.1).
Genomic context (GRCh38, chr5:37,044,425, plus strand): 5'-GTTATCTGCAATGTTGCAAAAATCCTAGAGCTAGTTGTACCACTGATGGAGCATCCAAGT[G>A]AAACTTTTCTTGCCACTATTGAGGAAGATCTAATGAAGCTCATCATCAAATATGGCATGA-3'
Protein context (NP_597677.2, residues 2053-2073): LVVPLMEHPS[Glu2063Lys]TFLATIEEDL